The following is an entry in ClinVar:

NM_001854.4(COL11A1):c.2197-10C>T

Gene: COL11A1 (collagen type XI alpha 1 chain; minus strand). Cytogenetic location: 1p21.1.
Variant type: single nucleotide variant.
Coding change: c.2197-10C>T on transcript NM_001854.4 (MANE Select); 10 bases into the intron before coding-DNA position 2197, C replaced by T.
Molecular consequence: intron variant.
Genome position (GRCh38, 1-based): chr1:102,997,134, G>A on the plus strand (C>T on the coding strand, the complement: COL11A1 is on the minus strand). VCF-style: chr1-102997134-G-A. GRCh37 (hg19) VCF-style: chr1-103462690-G-A.
Other names: c.2080-10C>T (NM_001190709.2); c.2233-10C>T (NM_080629.3); c.1849-10C>T (NM_080630.4).
Identifiers: ClinVar variation 381794 (VCV000381794.1), dbSNP rs1057521170, ClinGen allele CA16603369.

ClinVar aggregate classification (germline): Likely benign (1 of 4 stars; one submission).

Allele frequency attached by ClinVar (database versions not stated): TOPMed 0.00001.
gnomAD v4.1: 1 of 1,607,308 alleles (0.000062%); highest among the groups gnomAD compares: Non-Finnish European, 0.000085%; no homozygotes.

Submission:

GeneDx
Classification: Likely benign. Last evaluated: 2015-12-03. Review status: criteria provided, single submitter. Criteria: GeneDx Variant Classification (06012015). Collection method: clinical testing. Allele origin: germline. Affected: yes.
Comment: This variant is considered likely benign or benign based on one or more of the following criteria: it is a conservative change, it occurs at a poorly conserved position in the protein, it is predicted to be benign by multiple in silico algorithms, and/or has population frequency not consistent with disease.